The following is an entry in ClinVar:

NM_000038.6(APC):c.5379A>T (p.Ala1793=)

Gene: APC (APC regulator of WNT signaling pathway; plus strand). Cytogenetic location: 5q22.2.
Variant type: single nucleotide variant.
Coding change: c.5379A>T on transcript NM_000038.6 (MANE Select); coding-DNA position 5379, A replaced by T.
Protein change: p.Ala1793=; no amino-acid change (alanine 1793 retained).
Molecular consequence: synonymous variant. On other transcripts: non-coding transcript variant (2).
Genome position (GRCh38, 1-based): chr5:112,840,973, A>T. VCF-style: chr5-112840973-A-T. GRCh37 (hg19) VCF-style: chr5-112176670-A-T.
Other names: c.5379A>T, p.Ala1793= (NM_001127510.3, NM_001354895.2, NM_001407450.1); c.5325A>T, p.Ala1775= (NM_001127511.3); c.5433A>T, p.Ala1811= (NM_001354896.2, NM_001407447.1, NM_001407448.1 and 1 more transcripts); c.5409A>T, p.Ala1803= (NM_001354897.2); c.5304A>T, p.Ala1768= (NM_001354898.2); c.5295A>T, p.Ala1765= (NM_001354899.2); c.5256A>T, p.Ala1752= (NM_001354900.2); c.5202A>T, p.Ala1734= (NM_001354901.2, NM_001407453.1); and 11 more.
Identifiers: ClinVar variation 3074304 (VCV003074304.1), dbSNP rs1580659439, ClinGen allele CA446208832.
Genomic context (GRCh38, chr5:112,840,973, plus strand): 5'-TTCACCAGTAAAACCTATACCACAAAATACTGAATATAGGACACGTGTAAGAAAAAATGC[A>T]GACTCAAAAAATAATTTAAATGCTGAGAGAGTTTTCTCAGACAACAAAGATTCAAAGAAA-3'
Protein context (NP_000029.2, residues 1783-1803): TEYRTRVRKN[Ala1793=]DSKNNLNAER

ClinVar aggregate classification (germline): Likely benign (1 of 4 stars; one submission).

Conditions:
Classic or attenuated familial adenomatous polyposis. Identifiers: MedGen CN372698, MONDO:0021057.

Submission:

All of Us Research Program, National Institutes of Health
Classification: Likely benign for Classic or attenuated familial adenomatous polyposis. Last evaluated: 2023-11-02. Review status: criteria provided, single submitter. Criteria: ACMG Guidelines, 2015. Collection method: clinical testing. Allele origin: germline. Inheritance: Autosomal dominant inheritance. Observed: 1 variant allele, 1 heterozygote.
Comment: This study involves interpretation of variants in research participants for the purpose of population health screening. Participant phenotype was not available at the time of variant classification. Additional details can be found in publication PMID: 35346344, PMCID: PMC8962531